The following is an entry in ClinVar:

NM_003922.4(HERC1):c.3893G>A (p.Arg1298His)

Gene: HERC1 (HECT and RLD domain containing E3 ubiquitin protein ligase family member 1; minus strand). Cytogenetic location: 15q22.31.
Variant type: single nucleotide variant.
Coding change: c.3893G>A on transcript NM_003922.4 (MANE Select); coding-DNA position 3893, G replaced by A.
Protein change: p.Arg1298His; replaces arginine 1298 with histidine.
Molecular consequence: missense variant.
Genome position (GRCh38, 1-based): chr15:63,718,659, C>T on the plus strand (G>A on the coding strand, the complement: HERC1 is on the minus strand). VCF-style: chr15-63718659-C-T. GRCh37 (hg19) VCF-style: chr15-64010858-C-T.
Other names: c.3893G>A (NM_003922.3); short protein forms R1298H.
Identifiers: ClinVar variation 1988277 (VCV001988277.5), dbSNP rs745695425, ClinGen allele CA7605934.
Genomic context (GRCh38, chr15:63,718,659, plus strand): 5'-GTTTGAATAAGTTCAAGGTTCTTGCAAGCAAGTAAACGACTTCGAACTTTGTATACACAA[C>T]GGTACACTTCTGATAAGTGTTTACCAGGTTGATATCTAAATGAAGAACCAAAATAGAAAA-3'
Protein context (NP_003913.3, residues 1288-1308): QPGKHLSEVY[Arg1298His]CVYKVRSRLL

ClinVar aggregate classification (germline): Uncertain significance. Review status: criteria provided, multiple submitters, no conflicts (2 of 4 stars). 2 submissions from 2 submitters: Uncertain significance (2). Last evaluated 2025-07-01.

Conditions:
Inborn genetic diseases. Identifiers: MedGen C0950123, MeSH D030342.

Allele frequency attached by ClinVar (database versions not stated): gnomAD 0.00001; gnomAD exomes 0.00001; TOPMed 0.00001; ExAC 0.00002.
gnomAD v4.1: 4 of 1,600,340 alleles (0.00025%); highest among the groups gnomAD compares: South Asian, 0.0011%; no homozygotes.

Submissions (2):

Labcorp Genetics (formerly Invitae), Labcorp
Classification: Uncertain significance. Last evaluated: 2025-07-01. Review status: criteria provided, single submitter. Criteria: Invitae Variant Classification Sherloc (09022015). Collection method: clinical testing. Allele origin: germline.
Comment: This sequence change replaces arginine, which is basic and polar, with histidine, which is basic and polar, at codon 1298 of the HERC1 protein (p.Arg1298His). The frequency data for this variant in the population databases is considered unreliable, as metrics indicate poor data quality at this position in the gnomAD database. This variant has not been reported in the literature in individuals affected with HERC1-related conditions. ClinVar contains an entry for this variant (Variation ID: 1988277). Invitae Evidence Modeling of protein sequence and biophysical properties (such as structural, functional, and spatial information, amino acid conservation, physicochemical variation, residue mobility, and thermodynamic stability) indicates that this missense variant is not expected to disrupt HERC1 protein function with a negative predictive value of 80%. In summary, the available evidence is currently insufficient to determine the role of this variant in disease. Therefore, it has been classified as a Variant of Uncertain Significance.

Ambry Genetics
Classification: Uncertain significance for Inborn genetic diseases. Last evaluated: 2025-04-01. Review status: criteria provided, single submitter. Criteria: Ambry Variant Classification Scheme 2023. Collection method: clinical testing. Allele origin: germline.